The following is an entry in ClinVar:

ClinVar aggregate classification (germline): Uncertain significance (1 of 4 stars; one submission).

Allele frequency attached by ClinVar (database versions not stated): TOPMed 0.00001.
gnomAD v4.1: 9 of 1,614,048 alleles (0.00056%); highest among the groups gnomAD compares: Non-Finnish European, 0.00076%; no homozygotes.

Submission:

Labcorp Genetics (formerly Invitae), Labcorp
Classification: Uncertain significance. Last evaluated: 2022-09-22. Review status: criteria provided, single submitter. Criteria: Invitae Variant Classification Sherloc (09022015). Collection method: clinical testing. Allele origin: germline.
Comment: In summary, the available evidence is currently insufficient to determine the role of this variant in disease. Therefore, it has been classified as a Variant of Uncertain Significance. Algorithms developed to predict the effect of missense changes on protein structure and function (SIFT, PolyPhen-2, Align-GVGD) all suggest that this variant is likely to be tolerated. ClinVar contains an entry for this variant (Variation ID: 834957). This variant has not been reported in the literature in individuals affected with LAMTOR2-related conditions. This variant is present in population databases (rs746371582, gnomAD 0.005%). This sequence change replaces threonine, which is neutral and polar, with proline, which is neutral and non-polar, at codon 40 of the LAMTOR2 protein (p.Thr40Pro).

NM_014017.4(LAMTOR2):c.118A>C (p.Thr40Pro)

Gene: LAMTOR2 (late endosomal/lysosomal adaptor, MAPK and MTOR activator 2; plus strand). Cytogenetic location: 1q22.
Variant type: single nucleotide variant.
Coding change: c.118A>C on transcript NM_014017.4 (MANE Select); coding-DNA position 118, A replaced by C.
Protein change: p.Thr40Pro; replaces threonine 40 with proline.
Molecular consequence: missense variant.
Genome position (GRCh38, 1-based): chr1:156,055,312, A>C. VCF-style: chr1-156055312-A-C. GRCh37 (hg19) VCF-style: chr1-156025103-A-C.
Other names: c.118A>C, p.Thr40Pro (NM_001145264.2); short protein forms T40P.
Identifiers: ClinVar variation 834957 (VCV000834957.7), dbSNP rs746371582, ClinGen allele CA1154318.